The following is an entry in ClinVar:

NM_144997.7(FLCN):c.997T>G (p.Ser333Ala)

Gene: FLCN (folliculin; minus strand). Cytogenetic location: 17p11.2.
Variant type: single nucleotide variant.
Coding change: c.997T>G on transcript NM_144997.7 (MANE Select); coding-DNA position 997, T replaced by G.
Protein change: p.Ser333Ala; replaces serine 333 with alanine.
Molecular consequence: missense variant.
Genome position (GRCh38, 1-based): chr17:17,219,084, A>C on the plus strand (T>G on the coding strand, the complement: FLCN is on the minus strand). VCF-style: chr17-17219084-A-C. GRCh37 (hg19) VCF-style: chr17-17122398-A-C.
Other names: c.1051T>G, p.Ser351Ala (NM_001353229.2); c.997T>G, p.Ser333Ala (NM_001353230.2, NM_001353231.2); short protein forms S351A, S333A.
Identifiers: ClinVar variation 4827036 (VCV004827036.1).
Genomic context (GRCh38, chr17:17,219,084, plus strand): 5'-TCATGTGCCGGAGGGACTTGAAGACTGGCAGCTTCCGGGGCTGCCAGCTCCCACAGCCTG[A>C]GAGAGAGGAGGACTCTGCCGGGCCCTGGGTCAGCTCCCGCCCTTCTGTACTCTCTGGCAA-3'
Protein context (NP_659434.2, residues 323-343): TQGPAESSSL[Ser333Ala]GCGSWQPRKL

ClinVar aggregate classification (germline): Uncertain significance (1 of 4 stars; one submission).

Conditions:
Hereditary cancer-predisposing syndrome. Also called: Neoplastic Syndromes, Hereditary; Tumor predisposition; Hereditary Cancer Syndrome; Hereditary neoplastic syndrome. Identifiers: Orphanet 140162, MedGen C0027672, MeSH D009386, MONDO:0015356.

Submission:

Ambry Genetics
Classification: Uncertain significance for Hereditary cancer-predisposing syndrome. Last evaluated: 2026-03-02. Review status: criteria provided, single submitter. Criteria: Ambry Variant Classification Scheme 2023. Collection method: clinical testing. Allele origin: germline.
Comment: The p.S333A variant (also known as c.997T>G), located in coding exon 6 of the FLCN gene, results from a T to G substitution at nucleotide position 997. The serine at codon 333 is replaced by alanine, an amino acid with similar properties. This amino acid position is conserved. In addition, this alteration is predicted to be tolerated by in silico analysis. Based on the available evidence, the clinical significance of this variant remains unclear.